The following is an entry in ClinVar:

GRCh38/hg38 6q21(chr6:112309208-113197212)x3

Genes: RFPL4B (ret finger protein like 4B; plus strand), LOC110121046 (VISTA enhancer hs1302; plus strand), LOC129389619 (MPRA-validated peak6046 silencer; plus strand), LOC129389620 (MPRA-validated peak6047 silencer; plus strand), LOC129997012 (ATAC-STARR-seq lymphoblastoid silent region 17485; plus strand). Cytogenetic location: 6q21.
Variant type: copy number gain.
Change: copy number 3 (three copies instead of two) of chr6:112,309,208-113,197,212 (888.0 kb, GRCh38 coordinates, 1-based), cytogenetic band 6q21.
Identifiers: ClinVar variation 57164 (VCV000057164.1).

ClinVar aggregate classification (germline): Uncertain significance (1 of 4 stars; one submission).

Submission:

ISCA site 4
Classification: Uncertain significance. Last evaluated: 2011-08-12. Review status: criteria provided, single submitter. Criteria: Kaminsky et al. (Genet Med. 2011). Collection method: clinical testing. Allele origin: paternal. Affected: yes. Observed: 1 variant allele.
Comment: Copy number variation identified through the course of routine clinical cytogenomic testing in postnatal populations. Clinical assertions have been curated as described in Kaminsky et al. 2011.